The following is an entry in ClinVar:

NM_024757.5(EHMT1):c.480C>T (p.Gly160=)

Gene: EHMT1 (euchromatic histone lysine methyltransferase 1; plus strand). Cytogenetic location: 9q34.3.
Variant type: single nucleotide variant.
Coding change: c.480C>T on transcript NM_024757.5 (MANE Select); coding-DNA position 480, C replaced by T.
Protein change: p.Gly160=; no amino-acid change (glycine 160 retained).
Molecular consequence: synonymous variant.
Genome position (GRCh38, 1-based): chr9:137,717,020, C>T. VCF-style: chr9-137717020-C-T. GRCh37 (hg19) VCF-style: chr9-140611472-C-T.
Other names: c.480C>T, p.Gly160= (NM_001145527.2, NM_001354263.2, NM_001354611.2); c.387C>T, p.Gly129= (NM_001354259.2, NM_001354612.2).
Identifiers: ClinVar variation 167034 (VCV000167034.61), dbSNP rs150135875, ClinGen allele CA179994.

ClinVar aggregate classification (germline): Benign/Likely benign. Review status: criteria provided, multiple submitters, no conflicts (2 of 4 stars). 10 submissions from 10 submitters: Benign (6); Likely benign (2). 2 of the submissions do not count toward it. Last evaluated 2026-09-01.

Conditions:
Inborn genetic diseases. Identifiers: MedGen C0950123, MeSH D030342.
Kleefstra syndrome 1 (KLEFS1). Identifiers: Orphanet 261494, MedGen C0795833, MONDO:0027407, OMIM 610253.

Allele frequency attached by ClinVar (database versions not stated): 1000 Genomes Project 0.00060; 1000 Genomes Project 30x 0.00094; gnomAD 0.00188 and 0.00193; TOPMed 0.00206; gnomAD exomes 0.00208 and 0.00334; ExAC 0.00237; ESP Exome Variant Server 0.00331.
gnomAD v4.1: 5,084 of 1,606,598 alleles (0.32%); highest among the groups gnomAD compares: Non-Finnish European, 0.4%; 13 homozygotes.

Submissions (15):

CeGaT Center for Human Genetics Tuebingen
Classification: Benign. Last evaluated: 2026-09-01. Review status: criteria provided, single submitter. Criteria: CeGaT Center For Human Genetics Tuebingen Variant Classification Criteria Version 2. Collection method: clinical testing. Allele origin: germline. Affected: yes. Observed: 19 variant alleles.
Comment: EHMT1: BP4, BP7, BS1, BS2

Labcorp Genetics (formerly Invitae), Labcorp
Classification: Benign for Kleefstra syndrome 1. Last evaluated: 2026-01-28. Review status: criteria provided, single submitter. Criteria: Invitae Variant Classification Sherloc (09022015). Collection method: clinical testing. Allele origin: germline.

ARUP Laboratories, Molecular Genetics and Genomics, ARUP Laboratories
Classification: Benign for Kleefstra syndrome 1. Last evaluated: 2025-03-20. Review status: criteria provided, single submitter. Criteria: ARUP Molecular Germline Variant Investigation Process 2024. Collection method: clinical testing. Allele origin: germline.

Blueprint Genetics
Classification: Likely benign. Last evaluated: 2024-11-20. Review status: criteria provided, single submitter. Criteria: ACMG Guidelines, 2015. Collection method: clinical testing. Allele origin: germline.

GeneDx
Classification: Benign. Last evaluated: 2019-09-26. Review status: criteria provided, single submitter. Criteria: GeneDx Variant Classification Process June 2021. Collection method: clinical testing. Allele origin: germline. Affected: yes.

Ambry Genetics
Classification: Likely benign for Inborn genetic diseases. Last evaluated: 2016-10-28. Review status: criteria provided, single submitter. Criteria: Ambry Variant Classification Scheme 2023. Collection method: clinical testing. Allele origin: germline.

Genetic Services Laboratory, University of Chicago
Classification: Benign. Last evaluated: 2016-01-11. Review status: criteria provided, single submitter. Criteria: ACMG Guidelines, 2015. Collection method: clinical testing. Allele origin: germline. Affected: no.

Eurofins Ntd Llc (ga)
Classification: Benign. Last evaluated: 2014-01-16. Review status: criteria provided, single submitter. Criteria: EGL Classification Definitions 2015. Collection method: clinical testing. Allele origin: germline. Observed: 1 variant allele, 1 heterozygote.

Clinical Genetics DNA and cytogenetics Diagnostics Lab, Erasmus MC, Erasmus Medical Center
Classification: Likely benign. Review status: no assertion criteria provided. Collection method: clinical testing. Allele origin: germline. Affected: yes. Study: VKGL Data-share Consensus. Not counted in ClinVar's aggregate classification.

Dr. Peter K. Rogan Lab, Western University
No classification provided (evidence only). Condition: Malignant tumor of urinary bladder. Review status: no classification provided. Collection method: in vitro. Allele origin: not applicable. Functional consequence: retained intron. Not counted in ClinVar's aggregate classification.

Dr. Peter K. Rogan Lab, Western University
No classification provided (evidence only). Condition: Clear cell carcinoma of kidney. Review status: no classification provided. Collection method: in vitro. Allele origin: not applicable. Functional consequence: skipped exon. Not counted in ClinVar's aggregate classification.

Dr. Peter K. Rogan Lab, Western University
No classification provided (evidence only). Condition: Hepatocellular carcinoma. Review status: no classification provided. Collection method: in vitro. Allele origin: not applicable. Functional consequence: retained intron. Not counted in ClinVar's aggregate classification.

Dr. Peter K. Rogan Lab, Western University
No classification provided (evidence only). Condition: Uterine carcinosarcoma. Review status: no classification provided. Collection method: in vitro. Allele origin: not applicable. Functional consequence: retained intron. Not counted in ClinVar's aggregate classification.

Dr. Peter K. Rogan Lab, Western University
No classification provided (evidence only). Condition: Malignant tumor of esophagus. Review status: no classification provided. Collection method: in vitro. Allele origin: not applicable. Functional consequence: skipped exon. Not counted in ClinVar's aggregate classification.

Joint Genome Diagnostic Labs from Nijmegen and Maastricht, Radboudumc and MUMC+
Classification: Benign. Review status: no assertion criteria provided. Collection method: clinical testing. Allele origin: germline. Affected: yes. Study: VKGL Data-share Consensus. Not counted in ClinVar's aggregate classification.